The following is an entry in ClinVar:

NM_173628.4(DNAH17):c.9679G>A (p.Asp3227Asn)

Gene: DNAH17 (dynein axonemal heavy chain 17; minus strand). Cytogenetic location: 17q25.3.
Variant type: single nucleotide variant.
Coding change: c.9679G>A on transcript NM_173628.4 (MANE Select); coding-DNA position 9679, G replaced by A.
Protein change: p.Asp3227Asn; replaces aspartic acid 3227 with asparagine.
Molecular consequence: missense variant.
Genome position (GRCh38, 1-based): chr17:78,459,183, C>T on the plus strand (G>A on the coding strand, the complement: DNAH17 is on the minus strand). VCF-style: chr17-78459183-C-T. GRCh37 (hg19) VCF-style: chr17-76455265-C-T.
Other names: short protein forms D3227N.
Identifiers: ClinVar variation 3038210 (VCV003038210.2), dbSNP rs74335865, ClinGen allele CA8801199.

ClinVar aggregate classification (germline): Benign (0 of 4 stars; one submission).

Conditions:
DNAH17-related disorder. Also called: DNAH17-related condition.

Allele frequency attached by ClinVar (database versions not stated): 1000 Genomes Project 0.01038; 1000 Genomes Project 30x 0.01062; TOPMed 0.01870; gnomAD 0.02056; ESP Exome Variant Server 0.02191; ExAC 0.02224; gnomAD exomes 0.02741.
gnomAD v4.1: 43,062 of 1,613,806 alleles (2.7%); highest among the groups gnomAD compares: Non-Finnish European, 3%; 691 homozygotes.

Submission:

PreventionGenetics, part of Exact Sciences
Classification: Benign for DNAH17-related condition. Last evaluated: 2019-03-08. Review status: no assertion criteria provided. Collection method: clinical testing. Allele origin: germline.
Comment: This variant is classified as benign based on ACMG/AMP sequence variant interpretation guidelines (Richards et al. 2015 PMID: 25741868, with internal and published modifications).